The following is an entry in ClinVar:

ClinVar aggregate classification (germline): Benign/Likely benign. Review status: criteria provided, multiple submitters, no conflicts (2 of 4 stars). 9 submissions from 9 submitters: Benign (6); Likely benign (2). 1 of the submissions does not count toward it. Last evaluated 2026-01-27.

Conditions:
Cardiomyopathy (CMYO). Also called: Cardiomyopathies. Identifiers: Orphanet 167848, MedGen C0878544, MONDO:0004994, HP:0001638. Inheritance: Various modes of inheritance.
Arrhythmogenic right ventricular dysplasia 11. Also called: Arrhythmogenic Right Ventricular Dysplasia/Cardiomyopathy11; ARRHYTHMOGENIC RIGHT VENTRICULAR DYSPLASIA, FAMILIAL, 11; Arrhythmogenic right ventricular dysplasia 11 with mild palmoplantar keratoderma and woolly hair. Identifiers: MedGen C1864850, MONDO:0012506, OMIM 610476.

Submissions (9):

Labcorp Genetics (formerly Invitae), Labcorp
Classification: Benign for Arrhythmogenic right ventricular dysplasia 11. Last evaluated: 2026-01-27. Review status: criteria provided, single submitter. Criteria: Invitae Variant Classification Sherloc (09022015). Collection method: clinical testing. Allele origin: germline.

Molecular Diagnostic Laboratory for Inherited Cardiovascular Disease, Montreal Heart Institute
Classification: Benign. Last evaluated: 2025-04-09. Review status: criteria provided, single submitter. Criteria: ACMG Guidelines, 2015. Collection method: clinical testing. Allele origin: germline. Affected: no.

Blueprint Genetics
Classification: Likely benign. Last evaluated: 2024-07-05. Review status: criteria provided, single submitter. Criteria: ACMG Guidelines, 2015. Collection method: clinical testing. Allele origin: germline.

Women's Health and Genetics/Laboratory Corporation of America, LabCorp
Classification: Benign. Last evaluated: 2019-11-05. Review status: criteria provided, single submitter. Criteria: LabCorp Variant Classification Summary - May 2015. Collection method: clinical testing. Allele origin: germline.
Comment: Variant summary: DSC2 c.70-11delT alters a non-conserved nucleotide located close to a canonical splice site and therefore could affect mRNA splicing, leading to a significantly altered protein sequence. 5/5 computational tools predict no significant impact on normal splicing. However, these predictions have yet to be confirmed by functional studies. The variant allele was found at a frequency of 0.00034 in 238322 control chromosomes, predominantly at a frequency of 0.0024 within the African or African-American subpopulation in the gnomAD database. The observed variant frequency within African or African-American control individuals in the gnomAD database is approximately 96 fold of the estimated maximal expected allele frequency for a pathogenic variant in DSC2 causing Cardiomyopathy phenotype (2.5e-05), strongly suggesting that the variant is a benign polymorphism found primarily in populations of African or African-American origin. To our knowledge, no occurrence of c.70-11delT in individuals affected with Cardiomyopathy and no experimental evidence demonstrating its impact on protein function have been reported. Two clinical diagnostic laboratories have submitted clinical-significance assessments for this variant to ClinVar after 2014 without evidence for independent evaluation. All laboratories classified the variant as benign/likely benign. Based on the evidence outlined above, the variant was classified as benign.

Color Diagnostics, LLC DBA Color Health
Classification: Benign for Cardiomyopathy. Last evaluated: 2018-11-16. Review status: criteria provided, single submitter. Criteria: ACMG Guidelines, 2015. Collection method: clinical testing. Allele origin: germline.

Genome Diagnostics Laboratory, University Medical Center Utrecht
Classification: Benign for Arrhythmogenic right ventricular dysplasia 11. Last evaluated: 2016-03-03. Review status: criteria provided, single submitter. Criteria: ACGS Guidelines, 2013. Collection method: clinical testing. Allele origin: germline. Affected: yes. Study: VKGL Data-share Consensus.

GeneDx
Classification: Benign. Last evaluated: 2015-05-07. Review status: criteria provided, single submitter. Criteria: GeneDx Variant Classification (06012015). Collection method: clinical testing. Allele origin: germline. Affected: yes.
Comment: This variant is considered likely benign or benign based on one or more of the following criteria: it is a conservative change, it occurs at a poorly conserved position in the protein, it is predicted to be benign by multiple in silico algorithms, and/or has population frequency not consistent with disease.

Laboratory for Molecular Medicine, Mass General Brigham Personalized Medicine
Classification: Likely benign. Last evaluated: 2013-10-10. Review status: criteria provided, single submitter. Criteria: LMM Criteria. Collection method: clinical testing. Allele origin: germline. Observed: 1 variant allele.
Comment: 70-11delT in intron 1 of DSC2: This variant is not expected to have clinical sig nificance because it is located outside the conserved +/- 1, 2 region of the spl icing consensus sequence and as part of a polyT stretch. It does not alter the r egion of interest (ROI).

Clinical Genetics, Academic Medical Center
Classification: Benign. Review status: no assertion criteria provided. Collection method: clinical testing. Allele origin: germline. Affected: yes. Study: VKGL Data-share Consensus. Not counted in ClinVar's aggregate classification.

NM_024422.6(DSC2):c.70-11del

Gene: DSC2 (desmocollin 2; minus strand). Cytogenetic location: 18q12.1.
Variant type: Deletion.
Coding change: c.70-11del on transcript NM_024422.6 (MANE Select); 11 bases into the intron before coding-DNA position 70, one base deleted (T; older notation c.70-11delT).
Molecular consequence: intron variant.
Genome position (GRCh38, 1-based): chr18:31,093,654, A deleted on the plus strand (T on the coding strand, the reverse complement: DSC2 is on the minus strand); the first of 8 consecutive A bases (chr18:31,093,654-31,093,661); deleting any one gives the same sequence. VCF-style (leftmost placement, unchanged base first): chr18-31093653-GA-G. GRCh37 (hg19) VCF-style: chr18-28673616-GA-G.
Other names: c.70-11del (NM_004949.5); c.70-11delT (NM_004949.3, NM_024422.3).
Identifiers: ClinVar variation 163194 (VCV000163194.18), dbSNP rs572309510, ClinGen allele CA022892.